The following is an entry in ClinVar:

ClinVar aggregate classification (germline): Uncertain significance. Review status: criteria provided, multiple submitters, no conflicts (2 of 4 stars). 5 submissions from 4 submitters: Uncertain significance (5). Last evaluated 2023-01-30.

Conditions:
DNA ligase IV deficiency. Identifiers: Orphanet 99812, MedGen C1847827, MONDO:0011686, OMIM 606593.
Multiple myeloma (MM). Also called: Plasma cell myeloma; Multiple myeloma, somatic. Identifiers: Orphanet 29073, Orphanet 85443, MedGen C0026764, MeSH D009101, MONDO:0009693, OMIM 254500, HP:0006775.
Severe combined immunodeficiency due to DCLRE1C deficiency (RS-SCID). Also called: SCID, AUTOSOMAL RECESSIVE, T CELL-NEGATIVE, B CELL-NEGATIVE, NK CELL-POSITIVE, WITH SENSITIVITY TO IONIZING RADIATION. Identifiers: Orphanet 275, MedGen C1865371, MONDO:0011225, OMIM 602450.

Allele frequency attached by ClinVar (database versions not stated): TOPMed 0.00003; gnomAD 0.00005; ExAC 0.00001; gnomAD exomes 0.00003.

Submissions (5):

Blueprint Genetics
Classification: Uncertain significance. Last evaluated: 2023-01-30. Review status: criteria provided, single submitter. Criteria: ACMG Guidelines, 2015. Collection method: clinical testing. Allele origin: germline.

Labcorp Genetics (formerly Invitae), Labcorp
Classification: Uncertain significance for DNA ligase IV deficiency. Last evaluated: 2022-04-18. Review status: criteria provided, single submitter. Criteria: Invitae Variant Classification Sherloc (09022015). Collection method: clinical testing. Allele origin: germline.
Comment: This sequence change replaces arginine, which is basic and polar, with tryptophan, which is neutral and slightly polar, at codon 628 of the LIG4 protein (p.Arg628Trp). This variant is present in population databases (rs755708095, gnomAD 0.009%). This variant has not been reported in the literature in individuals affected with LIG4-related conditions. ClinVar contains an entry for this variant (Variation ID: 577575). Algorithms developed to predict the effect of missense changes on protein structure and function are either unavailable or do not agree on the potential impact of this missense change (SIFT: "Deleterious"; PolyPhen-2: "Probably Damaging"; Align-GVGD: "Class C0"). In summary, the available evidence is currently insufficient to determine the role of this variant in disease. Therefore, it has been classified as a Variant of Uncertain Significance.

Fulgent Genetics
Classification: Uncertain significance for Multiple myeloma; DNA ligase IV deficiency. Last evaluated: 2018-10-31. Review status: criteria provided, single submitter. Criteria: ACMG Guidelines, 2015. Collection method: clinical testing. Allele origin: unknown.

Illumina Laboratory Services, Illumina
Classification: Uncertain significance for Severe combined immunodeficiency due to DCLRE1C deficiency. Last evaluated: 2018-01-13. Review status: criteria provided, single submitter. Criteria: ICSL Variant Classification Criteria 13 December 2019. Collection method: clinical testing. Allele origin: germline.

Illumina Laboratory Services, Illumina
Classification: Uncertain significance for DNA ligase IV deficiency. Last evaluated: 2018-01-13. Review status: criteria provided, single submitter. Criteria: ICSL Variant Classification Criteria 13 December 2019. Collection method: clinical testing. Allele origin: germline.

NM_206937.2(LIG4):c.1882C>T (p.Arg628Trp)

Gene: LIG4 (DNA ligase 4; minus strand). Cytogenetic location: 13q33.3.
Variant type: single nucleotide variant.
Coding change: c.1882C>T on transcript NM_206937.2 (MANE Select); coding-DNA position 1882, C replaced by T.
Protein change: p.Arg628Trp; replaces arginine 628 with tryptophan.
Molecular consequence: missense variant.
Genome position (GRCh38, 1-based): chr13:108,209,387, G>A on the plus strand (C>T on the coding strand, the complement: LIG4 is on the minus strand). VCF-style: chr13-108209387-G-A. GRCh37 (hg19) VCF-style: chr13-108861735-G-A.
Other names: c.1882C>T, p.Arg628Trp (NM_001098268.2, NM_001352598.2, NM_001352599.2 and 6 more transcripts); c.1681C>T, p.Arg561Trp (NM_001330595.2); c.1918C>T, p.Arg640Trp (NM_001352604.2); short protein forms R628W, R640W, R561W.
Identifiers: ClinVar variation 577575 (VCV000577575.11), dbSNP rs755708095, ClinGen allele CA7043600.